The following is an entry in ClinVar:

ClinVar aggregate classification (germline): Uncertain significance (1 of 4 stars; one submission).

Allele frequency attached by ClinVar (database versions not stated): gnomAD exomes below 0.00001; ExAC 0.00001.
gnomAD v4.1: 7 of 1,614,116 alleles (0.00043%); highest among the groups gnomAD compares: Non-Finnish European, 0.00051%; no homozygotes.

Submission:

Labcorp Genetics (formerly Invitae), Labcorp
Classification: Uncertain significance. Last evaluated: 2023-12-06. Review status: criteria provided, single submitter. Criteria: Invitae Variant Classification Sherloc (09022015). Collection method: clinical testing. Allele origin: germline.
Comment: This sequence change replaces aspartic acid, which is acidic and polar, with tyrosine, which is neutral and polar, at codon 117 of the TUBG1 protein (p.Asp117Tyr). This variant is present in population databases (rs754035968, gnomAD 0.0009%). This variant has not been reported in the literature in individuals affected with TUBG1-related conditions. ClinVar contains an entry for this variant (Variation ID: 2016753). Advanced modeling of protein sequence and biophysical properties (such as structural, functional, and spatial information, amino acid conservation, physicochemical variation, residue mobility, and thermodynamic stability) performed at Invitae indicates that this missense variant is expected to disrupt TUBG1 protein function with a positive predictive value of 80%. In summary, the available evidence is currently insufficient to determine the role of this variant in disease. Therefore, it has been classified as a Variant of Uncertain Significance.

NM_001070.5(TUBG1):c.349G>T (p.Asp117Tyr)

Gene: TUBG1 (tubulin gamma 1; plus strand). Cytogenetic location: 17q21.2.
Variant type: single nucleotide variant.
Coding change: c.349G>T on transcript NM_001070.5 (MANE Select); coding-DNA position 349, G replaced by T.
Protein change: p.Asp117Tyr; replaces aspartic acid 117 with tyrosine.
Molecular consequence: missense variant.
Genome position (GRCh38, 1-based): chr17:42,612,093, G>T. VCF-style: chr17-42612093-G-T. GRCh37 (hg19) VCF-style: chr17-40764111-G-T.
Other names: short protein forms D117Y.
Identifiers: ClinVar variation 2016753 (VCV002016753.4), dbSNP rs754035968, ClinGen allele CA8579841.